The following is an entry in ClinVar:

NM_000548.5(TSC2):c.1097A>T (p.Glu366Val)

Gene: TSC2 (TSC complex subunit 2; plus strand). Cytogenetic location: 16p13.3.
Variant type: single nucleotide variant.
Coding change: c.1097A>T on transcript NM_000548.5 (MANE Select); coding-DNA position 1097, A replaced by T.
Protein change: p.Glu366Val; replaces glutamic acid 366 with valine.
Molecular consequence: missense variant. On other transcripts: 5 prime UTR variant (10), non-coding transcript variant (5).
Genome position (GRCh38, 1-based): chr16:2,060,791, A>T. VCF-style: chr16-2060791-A-T. GRCh37 (hg19) VCF-style: chr16-2110792-A-T.
Other names: c.1097A>T, p.Glu366Val (NM_001077183.3, NM_001114382.3, NM_001363528.2 and 6 more transcripts); c.986A>T, p.Glu329Val (NM_001318827.2, NM_001406670.1, NM_001406678.1); c.950A>T, p.Glu317Val (NM_001318829.2, NM_001406675.1, NM_001406676.1 and 1 more transcripts); c.497A>T, p.Glu166Val (NM_001318831.2, NM_001406686.1, NM_001406687.1 and 6 more transcripts); c.1130A>T, p.Glu377Val (NM_001318832.2); c.1187A>T, p.Glu396Val (NM_001406667.1, NM_001406668.1); c.1085A>T, p.Glu362Val (NM_001406671.1, NM_001406673.1); c.-335A>T (NM_001406689.1, NM_001406690.1, NM_001406691.1 and 4 more transcripts); and 4 more; short protein forms E166V, E377V, E212V, E347V, E366V, E329V, E362V, E317V.
Identifiers: ClinVar variation 4826474 (VCV004826474.1).

ClinVar aggregate classification (germline): Uncertain significance (1 of 4 stars; one submission).

Conditions:
Hereditary cancer-predisposing syndrome. Also called: Neoplastic Syndromes, Hereditary; Tumor predisposition; Hereditary Cancer Syndrome; Hereditary neoplastic syndrome. Identifiers: Orphanet 140162, MedGen C0027672, MeSH D009386, MONDO:0015356.

Submission:

Ambry Genetics
Classification: Uncertain significance for Hereditary cancer-predisposing syndrome. Last evaluated: 2026-03-11. Review status: criteria provided, single submitter. Criteria: Ambry Variant Classification Scheme 2023. Collection method: clinical testing. Allele origin: germline.
Comment: The p.E366V variant (also known as c.1097A>T), located in coding exon 10 of the TSC2 gene, results from an A to T substitution at nucleotide position 1097. The glutamic acid at codon 366 is replaced by valine, an amino acid with dissimilar properties. This amino acid position is highly conserved in available vertebrate species. In addition, this alteration is predicted to be deleterious by in silico analysis. Based on the available evidence, the clinical significance of this variant remains unclear.